The following is an entry in ClinVar:

NM_001365951.3(KIF1B):c.1457A>G (p.Glu486Gly)

Gene: KIF1B (kinesin family member 1B; plus strand). Cytogenetic location: 1p36.22.
Variant type: single nucleotide variant.
Coding change: c.1457A>G on transcript NM_001365951.3 (MANE Select); coding-DNA position 1457, A replaced by G.
Protein change: p.Glu486Gly; replaces glutamic acid 486 with glycine.
Molecular consequence: missense variant.
Genome position (GRCh38, 1-based): chr1:10,291,104, A>G. VCF-style: chr1-10291104-A-G. GRCh37 (hg19) VCF-style: chr1-10351162-A-G.
Other names: c.1319A>G, p.Glu440Gly (NM_015074.3, NM_183416.4, NM_001365953.1); c.1457A>G, p.Glu486Gly (NM_001365952.1); short protein forms E486G, E440G.
Identifiers: ClinVar variation 5023240 (VCV005023240.1).

ClinVar aggregate classification (germline): Uncertain significance (1 of 4 stars; one submission).

Submission:

Ambry Genetics
Classification: Uncertain significance. Last evaluated: 2026-09-13. Review status: criteria provided, single submitter. Criteria: Ambry Variant Classification Scheme 2023. Collection method: clinical testing. Allele origin: germline.
Comment: The p.E440G variant (also known as c.1319A>G), located in coding exon 13 of the KIF1B gene, results from an A to G substitution at nucleotide position 1319. The glutamic acid at codon 440 is replaced by glycine, an amino acid with similar properties. This amino acid position is conserved. In addition, this alteration is predicted to be deleterious by in silico analysis. Based on the available evidence, the clinical significance of this variant remains unclear.